The following is an entry in ClinVar:

ClinVar aggregate classification (germline): Uncertain significance. Review status: criteria provided, multiple submitters, no conflicts (2 of 4 stars). 2 submissions from 2 submitters: Uncertain significance (2). Last evaluated 2025-09-02.

Conditions:
Myofibrillar myopathy 5. Also called: Filaminopathy (type); FILAMINOPATHY, AUTOSOMAL DOMINANT. Identifiers: Orphanet 171445, MedGen C1836050, MONDO:0012289, OMIM 609524.
Distal myopathy with posterior leg and anterior hand involvement. Also called: WILLIAMS DISTAL MYOPATHY. Identifiers: Orphanet 63273, MedGen C3279722, MONDO:0013550, OMIM 614065.
Hypertrophic cardiomyopathy 26. Also called: Cardiomyopathy, familial hypertrophic, 26. Identifiers: Orphanet 75249, MedGen C4310749, MONDO:0014883, OMIM 617047.
Cardiovascular phenotype. Identifiers: MedGen CN230736.

Allele frequency attached by ClinVar (database versions not stated): gnomAD exomes below 0.00001; TOPMed below 0.00001.
gnomAD v4.1: 1 of 1,612,382 alleles (0.000062%); highest among the groups gnomAD compares: African/African-American, 0.0013%; no homozygotes.

Submissions (2):

Labcorp Genetics (formerly Invitae), Labcorp
Classification: Uncertain significance for Distal myopathy with posterior leg and anterior hand involvement; Myofibrillar myopathy 5; Hypertrophic cardiomyopathy 26. Last evaluated: 2025-09-02. Review status: criteria provided, single submitter. Criteria: Invitae Variant Classification Sherloc (09022015). Collection method: clinical testing. Allele origin: germline.
Comment: This sequence change replaces proline, which is neutral and non-polar, with alanine, which is neutral and non-polar, at codon 1046 of the FLNC protein (p.Pro1046Ala). This variant is not present in population databases (gnomAD no frequency). This variant has not been reported in the literature in individuals affected with FLNC-related conditions. ClinVar contains an entry for this variant (Variation ID: 863347). Invitae Evidence Modeling of protein sequence and biophysical properties (such as structural, functional, and spatial information, amino acid conservation, physicochemical variation, residue mobility, and thermodynamic stability) has been performed for this missense variant. However, the output from this modeling did not meet the statistical confidence thresholds required to predict the impact of this variant on FLNC protein function. In summary, the available evidence is currently insufficient to determine the role of this variant in disease. Therefore, it has been classified as a Variant of Uncertain Significance.

Ambry Genetics
Classification: Uncertain significance for Cardiovascular phenotype. Last evaluated: 2024-08-31. Review status: criteria provided, single submitter. Criteria: Ambry Variant Classification Scheme 2023. Collection method: clinical testing. Allele origin: germline.
Comment: The p.P1046A variant (also known as c.3136C>G), located in coding exon 20 of the FLNC gene, results from a C to G substitution at nucleotide position 3136. The proline at codon 1046 is replaced by alanine, an amino acid with highly similar properties. This amino acid position is conserved. In addition, the in silico prediction for this alteration is inconclusive. Based on the available evidence, the clinical significance of this variant remains unclear.

NM_001458.5(FLNC):c.3136C>G (p.Pro1046Ala)

Gene: FLNC (filamin C; plus strand). Cytogenetic location: 7q32.1.
Variant type: single nucleotide variant.
Coding change: c.3136C>G on transcript NM_001458.5 (MANE Select); coding-DNA position 3136, C replaced by G.
Protein change: p.Pro1046Ala; replaces proline 1046 with alanine.
Molecular consequence: missense variant.
Genome position (GRCh38, 1-based): chr7:128,844,210, C>G. VCF-style: chr7-128844210-C-G. GRCh37 (hg19) VCF-style: chr7-128484264-C-G.
Other names: c.3136C>G, p.Pro1046Ala (NM_001127487.2); short protein forms P1046A.
Identifiers: ClinVar variation 863347 (VCV000863347.9), dbSNP rs749099313, ClinGen allele CA369194510.